The following is an entry in ClinVar:

ClinVar aggregate classification (germline): Uncertain significance (1 of 4 stars; one submission).

Submission:

Labcorp Genetics (formerly Invitae), Labcorp
Classification: Uncertain significance. Last evaluated: 2023-03-03. Review status: criteria provided, single submitter. Criteria: Invitae Variant Classification Sherloc (09022015). Collection method: clinical testing. Allele origin: germline.
Comment: This sequence change replaces glutamic acid, which is acidic and polar, with aspartic acid, which is acidic and polar, at codon 618 of the SH3KBP1 protein (p.Glu618Asp). In summary, the available evidence is currently insufficient to determine the role of this variant in disease. Therefore, it has been classified as a Variant of Uncertain Significance. Advanced modeling of protein sequence and biophysical properties (such as structural, functional, and spatial information, amino acid conservation, physicochemical variation, residue mobility, and thermodynamic stability) performed at Invitae indicates that this missense variant is not expected to disrupt SH3KBP1 protein function. This variant has not been reported in the literature in individuals affected with SH3KBP1-related conditions. This variant is not present in population databases (gnomAD no frequency).

NM_031892.3(SH3KBP1):c.1854G>C (p.Glu618Asp)

Gene: SH3KBP1 (SH3 domain containing kinase binding protein 1; minus strand). Cytogenetic location: Xp22.12.
Variant type: single nucleotide variant.
Coding change: c.1854G>C on transcript NM_031892.3 (MANE Select); coding-DNA position 1854, G replaced by C.
Protein change: p.Glu618Asp; replaces glutamic acid 618 with aspartic acid.
Molecular consequence: missense variant.
Genome position (GRCh38, 1-based): chrX:19,541,963, C>G on the plus strand (G>C on the coding strand, the complement: SH3KBP1 is on the minus strand). VCF-style: chrX-19541963-C-G. GRCh37 (hg19) VCF-style: chrX-19560081-C-G.
Other names: c.1743G>C, p.Glu581Asp (NM_001024666.3); c.1140G>C, p.Glu380Asp (NM_001184960.2); c.1725G>C, p.Glu575Asp (NM_001353890.2); c.1929G>C, p.Glu643Asp (NM_001353891.2); c.1800G>C, p.Glu600Asp (NM_001353892.2); c.1752G>C, p.Glu584Asp (NM_001353893.2); c.1623G>C, p.Glu541Asp (NM_001353894.2); c.1680G>C, p.Glu560Asp (NM_001353895.2); and 4 more; short protein forms E337D, E619D, E643D, E380D, E584D, E662D, E541D, E600D.
Identifiers: ClinVar variation 2842545 (VCV002842545.3), dbSNP rs2518813896, ClinGen allele CA412495665.